The following is an entry in ClinVar:

NM_001184.4(ATR):c.593G>A (p.Ser198Asn)

Gene: ATR (ATR checkpoint kinase; minus strand). Cytogenetic location: 3q23.
Variant type: single nucleotide variant.
Coding change: c.593G>A on transcript NM_001184.4 (MANE Select); coding-DNA position 593, G replaced by A.
Protein change: p.Ser198Asn; replaces serine 198 with asparagine.
Molecular consequence: missense variant.
Genome position (GRCh38, 1-based): chr3:142,562,809, C>T on the plus strand (G>A on the coding strand, the complement: ATR is on the minus strand). VCF-style: chr3-142562809-C-T. GRCh37 (hg19) VCF-style: chr3-142281651-C-T.
Other names: c.593G>A (NM_001184.3); c.593G>A, p.Ser198Asn (NM_001354579.2); short protein forms S198N.
Identifiers: ClinVar variation 2199538 (VCV002199538.6), dbSNP rs759878676, ClinGen allele CA2650746.

ClinVar aggregate classification (germline): Conflicting classifications of pathogenicity. Review status: criteria provided, conflicting classifications (1 of 4 stars). 2 submissions from 2 submitters: Uncertain significance (1); Likely benign (1). Last evaluated 2022-11-10.

Conditions:
Inborn genetic diseases. Identifiers: MedGen C0950123, MeSH D030342.

Allele frequency attached by ClinVar (database versions not stated): ExAC 0.00002; TOPMed 0.00002.

Submissions (2):

Ambry Genetics
Classification: Likely benign for Inborn genetic diseases. Last evaluated: 2022-11-10. Review status: criteria provided, single submitter. Criteria: Ambry Variant Classification Scheme 2023. Collection method: clinical testing. Allele origin: germline.

Labcorp Genetics (formerly Invitae), Labcorp
Classification: Uncertain significance. Last evaluated: 2022-04-13. Review status: criteria provided, single submitter. Criteria: Invitae Variant Classification Sherloc (09022015). Collection method: clinical testing. Allele origin: germline.
Comment: Algorithms developed to predict the effect of missense changes on protein structure and function output the following: SIFT: "Tolerated"; PolyPhen-2: "Benign"; Align-GVGD: "Class C0". The asparagine amino acid residue is found in multiple mammalian species, which suggests that this missense change does not adversely affect protein function. In summary, the available evidence is currently insufficient to determine the role of this variant in disease. Therefore, it has been classified as a Variant of Uncertain Significance. This variant has not been reported in the literature in individuals affected with ATR-related conditions. This variant is present in population databases (rs759878676, gnomAD 0.007%). This sequence change replaces serine, which is neutral and polar, with asparagine, which is neutral and polar, at codon 198 of the ATR protein (p.Ser198Asn).